The following is an entry in ClinVar:

ClinVar aggregate classification (germline): Uncertain significance. Review status: criteria provided, multiple submitters, no conflicts (2 of 4 stars). 2 submissions from 2 submitters: Uncertain significance (2). Last evaluated 2024-02-16.

Conditions:
Cardiovascular phenotype. Identifiers: MedGen CN230736.
Brugada syndrome 6 (BRGDA6). Identifiers: Orphanet 130, MedGen C2751089, MONDO:0013145, OMIM 613119.

gnomAD v4.1: 9 of 1,614,038 alleles (0.00056%); highest among the groups gnomAD compares: Admixed American, 0.005%; no homozygotes.

Submissions (2):

Ambry Genetics
Classification: Uncertain significance for Cardiovascular phenotype. Last evaluated: 2024-02-16. Review status: criteria provided, single submitter. Criteria: Ambry Variant Classification Scheme 2023. Collection method: clinical testing. Allele origin: germline.
Comment: The p.R83P variant (also known as c.248G>C), located in coding exon 1 of the KCNE3 gene, results from a G to C substitution at nucleotide position 248. The arginine at codon 83 is replaced by proline, an amino acid with dissimilar properties. This amino acid position is well conserved in available vertebrate species. In addition, the in silico prediction for this alteration is inconclusive. Since supporting evidence is limited at this time, the clinical significance of this alteration remains unclear.

Labcorp Genetics (formerly Invitae), Labcorp
Classification: Uncertain significance for Brugada syndrome 6. Last evaluated: 2023-03-11. Review status: criteria provided, single submitter. Criteria: Invitae Variant Classification Sherloc (09022015). Collection method: clinical testing. Allele origin: germline.
Comment: This variant has not been reported in the literature in individuals affected with KCNE3-related conditions. This variant is not present in population databases (gnomAD no frequency). This sequence change replaces arginine, which is basic and polar, with proline, which is neutral and non-polar, at codon 83 of the KCNE3 protein (p.Arg83Pro). ClinVar contains an entry for this variant (Variation ID: 1406921). In summary, the available evidence is currently insufficient to determine the role of this variant in disease. Therefore, it has been classified as a Variant of Uncertain Significance. An algorithm developed to predict the effect of missense changes on protein structure and function (PolyPhen-2) suggests that this variant is likely to be disruptive.

NM_005472.5(KCNE3):c.248G>C (p.Arg83Pro)

Gene: KCNE3 (potassium voltage-gated channel subfamily E regulatory subunit 3; minus strand). Cytogenetic location: 11q13.4.
Variant type: single nucleotide variant.
Coding change: c.248G>C on transcript NM_005472.5 (MANE Select); coding-DNA position 248, G replaced by C.
Protein change: p.Arg83Pro; replaces arginine 83 with proline.
Molecular consequence: missense variant.
Genome position (GRCh38, 1-based): chr11:74,457,316, C>G on the plus strand (G>C on the coding strand, the complement: KCNE3 is on the minus strand). VCF-style: chr11-74457316-C-G. GRCh37 (hg19) VCF-style: chr11-74168361-C-G.
Other names: short protein forms R83P.
Identifiers: ClinVar variation 1406921 (VCV001406921.8), dbSNP rs17215437, ClinGen allele CA381973765.